The following is an entry in ClinVar:

ClinVar aggregate classification (germline): Pathogenic (1 of 4 stars; one submission).

gnomAD v4.1: 6 of 1,613,552 alleles (0.00037%); highest among the groups gnomAD compares: Non-Finnish European, 0.00051%; no homozygotes.

Submission:

Labcorp Genetics (formerly Invitae), Labcorp
Classification: Pathogenic. Last evaluated: 2025-10-15. Review status: criteria provided, single submitter. Criteria: Invitae Variant Classification Sherloc (09022015). Collection method: clinical testing. Allele origin: germline.
Comment: This sequence change creates a premature translational stop signal (p.Gln612*) in the RTTN gene. It is expected to result in an absent or disrupted protein product. Loss-of-function variants in RTTN are known to be pathogenic (PMID: 26608784, 26846091). This variant is not present in population databases (gnomAD no frequency). This variant has not been reported in the literature in individuals affected with RTTN-related conditions. ClinVar contains an entry for this variant (Variation ID: 3683011). For these reasons, this variant has been classified as Pathogenic.

Literature cited by the submitters: PubMed 26608784; PubMed 26846091.

NM_173630.4(RTTN):c.1834C>T (p.Gln612Ter)

Gene: RTTN (rotatin; minus strand). Cytogenetic location: 18q22.2.
Variant type: single nucleotide variant.
Coding change: c.1834C>T on transcript NM_173630.4 (MANE Select); coding-DNA position 1834, C replaced by T.
Protein change: p.Gln612Ter; replaces glutamine 612 with a stop codon.
Molecular consequence: nonsense. On other transcripts: 5 prime UTR variant (1).
Genome position (GRCh38, 1-based): chr18:70,166,157, G>A on the plus strand (C>T on the coding strand, the complement: RTTN is on the minus strand). VCF-style: chr18-70166157-G-A. GRCh37 (hg19) VCF-style: chr18-67833393-G-A.
Other names: c.-814C>T (NM_001318520.2); short protein forms Q612*.
Identifiers: ClinVar variation 3683011 (VCV003683011.2).
Genomic context (GRCh38, chr18:70,166,157, plus strand): 5'-CTTTCACTCGTGGCAATGGGTGAGACAACATATGGAGAAGCACCTTCTGACTTTCTCCTT[G>A]TAGTAATGGACTGGCCTGAGCAGATTTCCAGCTGGTGAAAAGGTAAAACAACCAAGACAT-3'